The following is an entry in ClinVar:

NM_000179.3(MSH6):c.3037A>G (p.Lys1013Glu)

Gene: MSH6 (mutS homolog 6; plus strand). Cytogenetic location: 2p16.3.
Variant type: single nucleotide variant.
Coding change: c.3037A>G on transcript NM_000179.3 (MANE Select); coding-DNA position 3037, A replaced by G.
Protein change: p.Lys1013Glu; replaces lysine 1013 with glutamic acid.
Molecular consequence: missense variant. On other transcripts: non-coding transcript variant (5), intron variant (2).
Genome position (GRCh38, 1-based): chr2:47,801,020, A>G. VCF-style: chr2-47801020-A-G. GRCh37 (hg19) VCF-style: chr2-48028159-A-G.
Other names: c.2740A>G, p.Lys914Glu (NM_001406822.1, NM_001406824.1, NM_001406825.1 and 10 more transcripts); c.2131A>G, p.Lys711Glu (NM_001406823.1, NM_001406829.1, NM_001281493.2 and 6 more transcripts); c.2869A>G, p.Lys957Glu (NM_001406826.1); c.982A>G, p.Lys328Glu (NM_001407362.1); c.2308+729A>G (NM_001406803.1); c.1606+1431A>G (NM_001406817.1); c.2647A>G, p.Lys883Glu (NM_001281492.2); c.3133A>G, p.Lys1045Glu (NM_001406795.1, NM_001406802.1); and 4 more; short protein forms K1013E, K1015E, K1045E, K328E, K711E, K838E, K883E, K914E.
Identifiers: ClinVar variation 3230542 (VCV003230542.1), dbSNP rs2530709219, ClinGen allele CA346756476.

ClinVar aggregate classification (germline): Uncertain significance (1 of 4 stars; one submission).

Conditions:
Hereditary cancer-predisposing syndrome. Also called: Neoplastic Syndromes, Hereditary; Tumor predisposition; Hereditary neoplastic syndrome; Hereditary Cancer Syndrome. Identifiers: Orphanet 140162, MedGen C0027672, MeSH D009386, MONDO:0015356.

Submission:

Ambry Genetics
Classification: Uncertain significance for Hereditary cancer-predisposing syndrome. Last evaluated: 2023-12-29. Review status: criteria provided, single submitter. Criteria: Ambry Variant Classification Scheme 2023. Collection method: clinical testing. Allele origin: germline.
Comment: The p.K1013E variant (also known as c.3037A>G), located in coding exon 4 of the MSH6 gene, results from an A to G substitution at nucleotide position 3037. The lysine at codon 1013 is replaced by glutamic acid, an amino acid with similar properties. This amino acid position is conserved. In addition, the in silico prediction for this alteration is inconclusive. Since supporting evidence is limited at this time, the clinical significance of this alteration remains unclear.